The following is an entry in ClinVar:

NM_173660.5(DOK7):c.213C>T (p.Tyr71=)

Gene: DOK7 (docking protein 7; plus strand). Cytogenetic location: 4p16.3.
Variant type: single nucleotide variant.
Coding change: c.213C>T on transcript NM_173660.5 (MANE Select); coding-DNA position 213, C replaced by T.
Protein change: p.Tyr71=; no amino-acid change (tyrosine 71 retained).
Molecular consequence: synonymous variant. On other transcripts: intron variant (1).
Genome position (GRCh38, 1-based): chr4:3,473,518, C>T. VCF-style: chr4-3473518-C-T. GRCh37 (hg19) VCF-style: chr4-3475245-C-T.
Other names: c.213C>T, p.Tyr71= (NM_001164673.2, NM_001301071.2); c.100+9967C>T (NM_001363811.2).
Identifiers: ClinVar variation 705967 (VCV000705967.10), dbSNP rs760236131, ClinGen allele CA2828910.

ClinVar aggregate classification (germline): Likely benign. Review status: criteria provided, multiple submitters, no conflicts (2 of 4 stars). 3 submissions from 3 submitters: Likely benign (3). Last evaluated 2026-07-01.

Conditions:
Congenital myasthenic syndrome 10. Also called: Myasthenia, limb-girdle, familial. Identifiers: Orphanet 590, MedGen C1850792, MONDO:0009690, OMIM 254300.
Fetal akinesia deformation sequence 1 (FADS1). Also called: Pena-Shokeir syndrome type I; Fetal akinesia sequence. Identifiers: Orphanet 994, MedGen C1276035, MONDO:0100101, OMIM 208150, HP:0001989.

Allele frequency attached by ClinVar (database versions not stated): gnomAD exomes 0.00004 and 0.00008; ExAC 0.00006; TOPMed 0.00007; gnomAD 0.00008.
gnomAD v4.1: 127 of 1,611,140 alleles (0.0079%); highest among the groups gnomAD compares: Non-Finnish European, 0.0099%; no homozygotes.

Submissions (3):

CeGaT Center for Human Genetics Tuebingen
Classification: Likely benign. Last evaluated: 2026-07-01. Review status: criteria provided, single submitter. Criteria: CeGaT Center For Human Genetics Tuebingen Variant Classification Criteria Version 2. Collection method: clinical testing. Allele origin: germline. Affected: yes. Observed: 1 variant allele.
Comment: DOK7: BP4, BP7

Labcorp Genetics (formerly Invitae), Labcorp
Classification: Likely benign for Congenital myasthenic syndrome 10; Fetal akinesia deformation sequence 1. Last evaluated: 2025-05-05. Review status: criteria provided, single submitter. Criteria: Invitae Variant Classification Sherloc (09022015). Collection method: clinical testing. Allele origin: germline.

Blueprint Genetics
Classification: Likely benign. Last evaluated: 2024-11-07. Review status: criteria provided, single submitter. Criteria: ACMG Guidelines, 2015. Collection method: clinical testing. Allele origin: germline.